The following is an entry in ClinVar:

NM_001367498.1(CNTNAP5):c.2873C>T (p.Pro958Leu)

Gene: CNTNAP5 (contactin associated protein family member 5; plus strand). Cytogenetic location: 2q14.3.
Variant type: single nucleotide variant.
Coding change: c.2873C>T on transcript NM_001367498.1 (MANE Select); coding-DNA position 2873, C replaced by T.
Protein change: p.Pro958Leu; replaces proline 958 with leucine.
Molecular consequence: missense variant.
Genome position (GRCh38, 1-based): chr2:124,790,022, C>T. VCF-style: chr2-124790022-C-T. GRCh37 (hg19) VCF-style: chr2-125547599-C-T.
Other names: c.2870C>T, p.Pro957Leu (NM_130773.4); c.2870C>T (NM_130773.3); short protein forms P958L, P957L.
Identifiers: ClinVar variation 2588012 (VCV002588012.4), dbSNP rs200361177, ClinGen allele CA1856303.

ClinVar aggregate classification (germline): Uncertain significance. Review status: criteria provided, single submitter (1 of 4 stars). 2 submissions from 2 submitters: Uncertain significance (1). 1 of the submissions does not count toward it. Last evaluated 2023-09-12.

Conditions:
CNTNAP5-related disorder. Also called: CNTNAP5-related condition.

Allele frequency attached by ClinVar (database versions not stated): gnomAD exomes 0.00023; ExAC 0.00037; 1000 Genomes Project 30x 0.00047; ESP Exome Variant Server 0.00047; 1000 Genomes Project 0.00060; gnomAD 0.00082; TOPMed 0.00115.
gnomAD v4.1: 488 of 1,613,910 alleles (0.03%); highest among the groups gnomAD compares: African/African-American, 0.19%; no homozygotes.

Submissions (2):

Ambry Genetics
Classification: Uncertain significance. Last evaluated: 2023-09-12. Review status: criteria provided, single submitter. Criteria: Ambry Variant Classification Scheme 2023. Collection method: clinical testing. Allele origin: germline.

PreventionGenetics, part of Exact Sciences
Classification: Likely benign for CNTNAP5-related condition. Last evaluated: 2022-05-09. Review status: no assertion criteria provided. Collection method: clinical testing. Allele origin: germline. Not counted in ClinVar's aggregate classification.
Comment: This variant is classified as likely benign based on ACMG/AMP sequence variant interpretation guidelines (Richards et al. 2015 PMID: 25741868, with internal and published modifications).